The following is an entry in ClinVar:

ClinVar aggregate classification (germline): Pathogenic (1 of 4 stars; one submission).

Conditions:
Breast-ovarian cancer, familial, susceptibility to, 2 (BROVCA2). Also called: BRCA2 Hereditary Breast and Ovarian Cancer. Identifiers: Orphanet 145, MedGen C2675520, MONDO:0012933, OMIM 612555. Disease mechanism: loss of function.

Submission:

Myriad Genetics, Inc.
Classification: Pathogenic for Breast-ovarian cancer, familial, susceptibility to, 2. Last evaluated: 2024-02-29. Review status: criteria provided, single submitter. Criteria: Myriad Autosomal Dominant, Autosomal Recessive and X-Linked Classification Criteria (2023). Collection method: clinical testing. Allele origin: unknown.
Comment: This variant is considered pathogenic. This variant creates a termination codon and is predicted to result in premature protein truncation.

NM_000059.4(BRCA2):c.760G>T (p.Glu254Ter)

Gene: BRCA2 (BRCA2 DNA repair associated; plus strand). Cytogenetic location: 13q13.1.
Variant type: single nucleotide variant.
Coding change: c.760G>T on transcript NM_000059.4 (MANE Select); coding-DNA position 760, G replaced by T.
Protein change: p.Glu254Ter; replaces glutamic acid 254 with a stop codon.
Molecular consequence: nonsense. On other transcripts: non-coding transcript variant (1).
Genome position (GRCh38, 1-based): chr13:32,330,997, G>T. VCF-style: chr13-32330997-G-T. GRCh37 (hg19) VCF-style: chr13-32905134-G-T.
Other names: c.760G>T, p.Glu254Ter (NM_001406719.1, NM_001406720.1, NM_001406721.1); c.391G>T, p.Glu131Ter (NM_001406722.1); short protein forms E131*, E254*.
Identifiers: ClinVar variation 3148338 (VCV003148338.1), dbSNP rs2137462003, ClinGen allele CA387760129.